The following is an entry in ClinVar:

ClinVar aggregate classification (germline): Pathogenic (1 of 4 stars; one submission).

Conditions:
Hereditary cancer-predisposing syndrome. Also called: Tumor predisposition; Hereditary Cancer Syndrome; Neoplastic Syndromes, Hereditary; Hereditary neoplastic syndrome. Identifiers: Orphanet 140162, MedGen C0027672, MeSH D009386, MONDO:0015356.

Submission:

Ambry Genetics
Classification: Pathogenic for Hereditary cancer-predisposing syndrome. Last evaluated: 2025-03-03. Review status: criteria provided, single submitter. Criteria: Ambry Variant Classification Scheme 2023. Collection method: clinical testing. Allele origin: germline.
Comment: The c.3045_3054del10 pathogenic mutation, located in coding exon 18 of the DICER1 gene, results from a deletion of 10 nucleotides at nucleotide positions 3045 to 3054, causing a translational frameshift with a predicted alternate stop codon (p.S1015Rfs*48). This variant is considered to be rare based on population cohorts in the Genome Aggregation Database (gnomAD). This alteration is expected to result in loss of function by premature protein truncation or nonsense-mediated mRNA decay. As such, this alteration is interpreted as a disease-causing mutation.

NM_177438.3(DICER1):c.3045_3054del (p.Ser1015fs)

Gene: DICER1 (dicer 1, ribonuclease III; minus strand). Cytogenetic location: 14q32.13.
Variant type: Deletion.
Coding change: c.3045_3054del on transcript NM_177438.3 (MANE Select); coding-DNA positions 3045 to 3054, 10 bases deleted (CAGTGCTGAG; older notation c.3045_3054delCAGTGCTGAG).
Protein change: p.Ser1015fs; shifts the reading frame from serine 1015.
Molecular consequence: frameshift variant.
Genome position (GRCh38, 1-based): chr14:95,105,717-95,105,726, CTCAGCACTG deleted on the plus strand (CAGTGCTGAG on the coding strand, the reverse complement: DICER1 is on the minus strand); deleting any 10 consecutive bases within chr14:95,105,717-95,105,728 gives the same sequence; the c. name uses the placement nearest the transcript's 3' end. VCF-style (leftmost placement, unchanged base first): chr14-95105716-TCTCAGCACTG-T. GRCh37 (hg19) VCF-style: chr14-95572053-TCTCAGCACTG-T.
Other names: c.3045_3054del, p.Ser1015fs (NM_001195573.1, NM_001271282.3, NM_001291628.2 and 1 more transcripts); short protein forms S1015fs.
Identifiers: ClinVar variation 822714 (VCV000822714.5), dbSNP rs1595372666, ClinGen allele CA915946379.
Genomic context (GRCh38, chr14:95,105,716, plus strand): 5'-GCTAGTACAATTAACTCATTACCTGTTTATTCTGCAGACTTTCCCATTTGGCTTTCCTCT[TCTCAGCACTG>T]CTTAAAGGAAGCGCTTTCCCCTTCTGATTCAAATGTCGAGGTGTCAAAAGATTAAGTCTG-3'